The following is an entry in ClinVar:

ClinVar aggregate classification (germline): Uncertain significance (1 of 4 stars; one submission).

Submission:

Labcorp Genetics (formerly Invitae), Labcorp
Classification: Uncertain significance. Last evaluated: 2021-06-23. Review status: criteria provided, single submitter. Criteria: Invitae Variant Classification Sherloc (09022015). Collection method: clinical testing. Allele origin: germline.
Comment: The frequency data for this variant in the population databases is considered unreliable, as metrics indicate insufficient coverage at this position in the ExAC database. This sequence change replaces serine with alanine at codon 25 of the GALNT2 protein (p.Ser25Ala). The serine residue is moderately conserved and there is a moderate physicochemical difference between serine and alanine. This variant has not been reported in the literature in individuals with GALNT2-related conditions. In summary, the available evidence is currently insufficient to determine the role of this variant in disease. Therefore, it has been classified as a Variant of Uncertain Significance. Algorithms developed to predict the effect of missense changes on protein structure and function (SIFT, PolyPhen-2, Align-GVGD) all suggest that this variant is likely to be tolerated, but these predictions have not been confirmed by published functional studies and their clinical significance is uncertain.

NM_004481.5(GALNT2):c.73T>G (p.Ser25Ala)

Genes: GALNT2 (polypeptide N-acetylgalactosaminyltransferase 2; plus strand), LOC129932743 (ATAC-STARR-seq lymphoblastoid silent region 1936; plus strand). Cytogenetic location: 1q42.13.
Variant type: single nucleotide variant.
Coding change: c.73T>G on transcript NM_004481.5 (MANE Select); coding-DNA position 73, T replaced by G.
Protein change: p.Ser25Ala; replaces serine 25 with alanine.
Molecular consequence: missense variant. On other transcripts: non-coding transcript variant (1), intron variant (1).
Genome position (GRCh38, 1-based): chr1:230,067,353, T>G. VCF-style: chr1-230067353-T-G. GRCh37 (hg19) VCF-style: chr1-230203100-T-G.
Other names: c.12+9275T>G (NM_001291866.2); short protein forms S25A.
Identifiers: ClinVar variation 1402540 (VCV001402540.8), dbSNP rs2102738036, ClinGen allele CA345340015.
Genomic context (GRCh38, chr1:230,067,353, plus strand): 5'-TCGCGGATGCTGCTCTGCTTCGCCTTCCTGTGGGTGCTGGGCATCGCCTACTACATGTAC[T>G]CGGGGGGCGGCTCTGCGCTGGCCGGGGGCGCGGGCGGCGGCGCCGGCAGGAAGGTGAGTG-3'
Protein context (NP_004472.1, residues 15-35): WVLGIAYYMY[Ser25Ala]GGGSALAGGA